The following is an entry in ClinVar:

ClinVar aggregate classification (germline): Pathogenic (1 of 4 stars; one submission).

Submission:

Labcorp Genetics (formerly Invitae), Labcorp
Classification: Pathogenic. Last evaluated: 2025-04-08. Review status: criteria provided, single submitter. Criteria: Invitae Variant Classification Sherloc (09022015). Collection method: clinical testing. Allele origin: germline.
Comment: This sequence change creates a premature translational stop signal (p.Glu513*) in the PCNT gene. It is expected to result in an absent or disrupted protein product. Loss-of-function variants in PCNT are known to be pathogenic (PMID: 18174396, 22821869). This variant is not present in population databases (gnomAD no frequency). This variant has not been reported in the literature in individuals affected with PCNT-related conditions. For these reasons, this variant has been classified as Pathogenic.

Literature cited by the submitters: PubMed 18174396; PubMed 22821869.

NM_006031.6(PCNT):c.1536dup (p.Glu513Ter)

Gene: PCNT (pericentrin; plus strand). Cytogenetic location: 21q22.3.
Variant type: Duplication.
Coding change: c.1536dup on transcript NM_006031.6 (MANE Select); coding-DNA position 1536, one base duplicated (T; older notation c.1536dupT).
Protein change: p.Glu513Ter; replaces glutamic acid 513 with a stop codon.
Molecular consequence: nonsense.
Genome position (GRCh38, 1-based): chr21:46,353,183, T duplicated. VCF-style (leftmost placement, unchanged base first): chr21-46353182-A-AT. GRCh37 (hg19) VCF-style: chr21-47773096-A-AT.
Other names: c.1182dup, p.Glu395Ter (NM_001315529.2); short protein forms E395*, E513*.
Identifiers: ClinVar variation 4716573 (VCV004716573.1).